The following is an entry in ClinVar:

ClinVar aggregate classification (germline): Likely pathogenic (1 of 4 stars; one submission).

Submission:

Labcorp Genetics (formerly Invitae), Labcorp
Classification: Likely pathogenic. Last evaluated: 2024-04-27. Review status: criteria provided, single submitter. Criteria: Invitae Variant Classification Sherloc (09022015). Collection method: clinical testing. Allele origin: germline.
Comment: This sequence change affects an acceptor splice site in intron 7 of the MECR gene. It is expected to disrupt RNA splicing. Variants that disrupt the donor or acceptor splice site typically lead to a loss of protein function (PMID: 16199547), and loss-of-function variants in MECR are known to be pathogenic (PMID: 27817865). This variant is not present in population databases (gnomAD no frequency). This variant has not been reported in the literature in individuals affected with MECR-related conditions. Algorithms developed to predict the effect of sequence changes on RNA splicing suggest that this variant may disrupt the consensus splice site. In summary, the currently available evidence indicates that the variant is pathogenic, but additional data are needed to prove that conclusively. Therefore, this variant has been classified as Likely Pathogenic.

Literature cited by the submitters: PubMed 16199547; PubMed 27817865.

NM_016011.5(MECR):c.831-2A>G

Gene: MECR (mitochondrial trans-2-enoyl-CoA reductase; minus strand). Cytogenetic location: 1p35.3.
Variant type: single nucleotide variant.
Coding change: c.831-2A>G on transcript NM_016011.5 (MANE Select); the canonical splice acceptor site of the intron before coding-DNA position 831, A replaced by G.
Molecular consequence: splice acceptor variant.
Genome position (GRCh38, 1-based): chr1:29,196,260, T>C on the plus strand (A>G on the coding strand, the complement: MECR is on the minus strand). VCF-style: chr1-29196260-T-C. GRCh37 (hg19) VCF-style: chr1-29522772-T-C.
Other names: c.681-2A>G (NM_001349717.2); c.603-2A>G (NM_001024732.4, NM_001349714.2, NM_001349712.2 and 2 more transcripts); c.915-2A>G (NM_001349716.2); c.936-2A>G (NM_001349715.2).
Identifiers: ClinVar variation 2801751 (VCV002801751.3), dbSNP rs2522278930, ClinGen allele CA339539246.